The following is an entry in ClinVar:

ClinVar aggregate classification (germline): Conflicting classifications of pathogenicity. Review status: criteria provided, conflicting classifications (1 of 4 stars). 5 submissions from 5 submitters: Uncertain significance (4); Likely benign (1). Last evaluated 2026-03-16.

Conditions:
DICER1-related disorder. Also called: DICER1-related condition.
Rhabdomyosarcoma, embryonal, 2 (RMSE2). Identifiers: MedGen C1867234, MONDO:0859046, OMIM 180295.
Euthyroid goiter (MNG1). Also called: GOITER, NONTOXIC, WITH INTRATHYROIDAL CALCIFICATION; Goiter, multinodular 1, with or without Sertoli-Leydig cell tumors; SIMPLE GOITER; MULTINODULAR GOITER, ADOLESCENT. Identifiers: Orphanet 276399, MedGen C0302859, MONDO:0007681, OMIM 138800, HP:0009798.
DICER1-related tumor predisposition. Also called: DICER1 syndrome; DICER1-related pleuropulmonary blastoma cancer predisposition syndrome. Identifiers: Orphanet 284343, MedGen C3839822, MONDO:0100216.
Hereditary cancer-predisposing syndrome. Also called: Neoplastic Syndromes, Hereditary; Hereditary Cancer Syndrome; Tumor predisposition; Hereditary neoplastic syndrome. Identifiers: Orphanet 140162, MedGen C0027672, MeSH D009386, MONDO:0015356.

Allele frequency attached by ClinVar (database versions not stated): TOPMed 0.00001; gnomAD exomes 0.00002 and 0.00003; ExAC 0.00001; gnomAD 0.00001.
gnomAD v4.1: 44 of 1,614,102 alleles (0.0027%); highest among the groups gnomAD compares: Non-Finnish European, 0.0037%; no homozygotes.

Submissions (5):

Ambry Genetics
Classification: Uncertain significance for Hereditary cancer-predisposing syndrome. Last evaluated: 2026-03-16. Review status: criteria provided, single submitter. Criteria: Ambry Variant Classification Scheme 2023. Collection method: clinical testing. Allele origin: germline.
Comment: The p.K1241R variant (also known as c.3722A>G), located in coding exon 20 of the DICER1 gene, results from an A to G substitution at nucleotide position 3722. The lysine at codon 1241 is replaced by arginine, an amino acid with highly similar properties. This amino acid position is well conserved in available vertebrate species. In addition, this alteration is predicted to be tolerated by in silico analysis. Since supporting evidence is limited at this time, the clinical significance of this alteration remains unclear.

Labcorp Genetics (formerly Invitae), Labcorp
Classification: Likely benign for DICER1-related tumor predisposition. Last evaluated: 2025-11-12. Review status: criteria provided, single submitter. Criteria: Invitae Variant Classification Sherloc (09022015). Collection method: clinical testing. Allele origin: germline.

PreventionGenetics, part of Exact Sciences
Classification: Uncertain significance for DICER1-related condition. Last evaluated: 2025-09-17. Review status: criteria provided, single submitter. Criteria: ACMG Guidelines, 2015. Collection method: clinical testing. Allele origin: germline.
Comment: The DICER1 c.3722A>G variant is predicted to result in the amino acid substitution p.Lys1241Arg. To our knowledge, this variant has not been reported in the literature. This variant is reported in 0.0035% of alleles in individuals of European (Non-Finnish) descent in gnomAD and has conflicting interpretations in ClinVar ranging from likely benign to uncertain in ClinVar (Variation ID: 477160). At this time, the clinical significance of this variant is uncertain due to the absence of conclusive functional and genetic evidence.

GeneDx
Classification: Uncertain significance. Last evaluated: 2024-07-31. Review status: criteria provided, single submitter. Criteria: GeneDx Variant Classification Process June 2021. Collection method: clinical testing. Allele origin: germline.
Comment: Not observed at significant frequency in large population cohorts (gnomAD); In silico analysis indicates that this missense variant does not alter protein structure/function; Has not been previously published as pathogenic or benign to our knowledge

Fulgent Genetics
Classification: Uncertain significance for Euthyroid goiter; Rhabdomyosarcoma, embryonal, 2; Pleuropulmonary blastoma. Last evaluated: 2018-10-31. Review status: criteria provided, single submitter. Criteria: ACMG Guidelines, 2015. Collection method: clinical testing. Allele origin: unknown.

NM_177438.3(DICER1):c.3722A>G (p.Lys1241Arg)

Gene: DICER1 (dicer 1, ribonuclease III; minus strand). Cytogenetic location: 14q32.13.
Variant type: single nucleotide variant.
Coding change: c.3722A>G on transcript NM_177438.3 (MANE Select); coding-DNA position 3722, A replaced by G.
Protein change: p.Lys1241Arg; replaces lysine 1241 with arginine.
Molecular consequence: missense variant.
Genome position (GRCh38, 1-based): chr14:95,103,674, T>C on the plus strand (A>G on the coding strand, the complement: DICER1 is on the minus strand). VCF-style: chr14-95103674-T-C. GRCh37 (hg19) VCF-style: chr14-95570011-T-C.
Other names: c.3722A>G, p.Lys1241Arg (NM_001195573.1, NM_001271282.3, NM_001291628.2 and 1 more transcripts); short protein forms K1241R.
Identifiers: ClinVar variation 477160 (VCV000477160.32), dbSNP rs764415288, ClinGen allele CA7330999.